The following is an entry in ClinVar:

NM_000092.5(COL4A4):c.721C>A (p.Gln241Lys)

Gene: COL4A4 (collagen type IV alpha 4 chain; minus strand). Cytogenetic location: 2q36.3.
Variant type: single nucleotide variant.
Coding change: c.721C>A on transcript NM_000092.5 (MANE Select); coding-DNA position 721, C replaced by A.
Protein change: p.Gln241Lys; replaces glutamine 241 with lysine.
Molecular consequence: missense variant.
Genome position (GRCh38, 1-based): chr2:227,108,595, G>T on the plus strand (C>A on the coding strand, the complement: COL4A4 is on the minus strand). VCF-style: chr2-227108595-G-T. GRCh37 (hg19) VCF-style: chr2-227973311-G-T.
Other names: short protein forms Q241K.
Identifiers: ClinVar variation 2143663 (VCV002143663.7), dbSNP rs374740993, ClinGen allele CA2145481.

ClinVar aggregate classification (germline): Conflicting classifications of pathogenicity. Review status: criteria provided, conflicting classifications (1 of 4 stars). 4 submissions from 4 submitters: Uncertain significance (2); Likely benign (1). 1 of the submissions does not count toward it. Last evaluated 2026-01-12.

Conditions:
COL4A4-related disorder.
Inborn genetic diseases. Identifiers: MedGen C0950123, MeSH D030342.

Allele frequency attached by ClinVar (database versions not stated): gnomAD exomes below 0.00001; gnomAD 0.00001; ExAC 0.00002; TOPMed 0.00008; ESP Exome Variant Server 0.00017.
gnomAD v4.1: 7 of 1,613,792 alleles (0.00043%); highest among the groups gnomAD compares: African/African-American, 0.0053%; no homozygotes.

Submissions (4):

Labcorp Genetics (formerly Invitae), Labcorp
Classification: Likely benign. Last evaluated: 2026-01-12. Review status: criteria provided, single submitter. Criteria: Invitae Variant Classification Sherloc (09022015). Collection method: clinical testing. Allele origin: germline.

Ambry Genetics
Classification: Uncertain significance for Inborn genetic diseases. Last evaluated: 2025-08-11. Review status: criteria provided, single submitter. Criteria: Ambry Variant Classification Scheme 2023. Collection method: clinical testing. Allele origin: germline.

GeneDx
Classification: Uncertain significance. Last evaluated: 2024-01-30. Review status: criteria provided, single submitter. Criteria: GeneDx Variant Classification Process June 2021. Collection method: clinical testing. Allele origin: germline. Affected: yes.
Comment: In silico analysis supports that this missense variant does not alter protein structure/function; Occurs in the triple helical domain at the X position in the canonical Gly-X-Y repeat; although this variant may have an effect on normal protein folding and function, missense substitution at the X position is not a common mechanism of disease; Has not been previously published as pathogenic or benign to our knowledge

PreventionGenetics, part of Exact Sciences
Classification: Uncertain significance for COL4A4-related condition. Last evaluated: 2024-04-17. Review status: no assertion criteria provided. Collection method: clinical testing. Allele origin: germline. Not counted in ClinVar's aggregate classification.
Comment: The COL4A4 c.721C>A variant is predicted to result in the amino acid substitution p.Gln241Lys. To our knowledge, this variant has not been reported in the literature. This variant is reported in 0.013% of alleles in individuals of African descent in gnomAD. At this time, the clinical significance of this variant is uncertain due to the absence of conclusive functional and genetic evidence.